The following is an entry in ClinVar:

NM_198586.3(NHLRC1):c.*55G>C

Gene: NHLRC1 (NHL repeat containing E3 ubiquitin protein ligase 1; minus strand). Cytogenetic location: 6p22.3.
Variant type: single nucleotide variant.
Coding change: c.*55G>C on transcript NM_198586.3 (MANE Select); 55 bases downstream of the stop codon, G replaced by C.
Molecular consequence: 3 prime UTR variant.
Genome position (GRCh38, 1-based): chr6:18,121,364, C>G on the plus strand (G>C on the coding strand, the complement: NHLRC1 is on the minus strand). VCF-style: chr6-18121364-C-G. GRCh37 (hg19) VCF-style: chr6-18121595-C-G.
Identifiers: ClinVar variation 356079 (VCV000356079.5), dbSNP rs11966789, ClinGen allele CA10626322.

ClinVar aggregate classification (germline): Benign (1 of 4 stars; one submission).

Conditions:
Lafora disease. Also called: Epilepsy progressive myoclonic 2. Identifiers: Orphanet 501, MedGen C0751783, MONDO:0009697.

Allele frequency attached by ClinVar (database versions not stated): TOPMed 0.00648; 1000 Genomes Project 0.00659; 1000 Genomes Project 30x 0.00718.

Submission:

Illumina Laboratory Services, Illumina
Classification: Benign for Myoclonic epilepsy of Lafora 1. Last evaluated: 2018-01-12. Review status: criteria provided, single submitter. Criteria: ICSL Variant Classification Criteria 13 December 2019. Collection method: clinical testing. Allele origin: germline.
Comment: This variant was observed in the ICSL laboratory as part of a predisposition screen in an ostensibly healthy population. It had not been previously curated by ICSL or reported in the Human Gene Mutation Database (HGMD: prior to June 1st, 2018), and was therefore a candidate for classification through an automated scoring system. Utilizing variant allele frequency, disease prevalence and penetrance estimates, and inheritance mode, an automated score was calculated to assess if this variant is too frequent to cause the disease. Based on the score and internal cut-off values, a variant classified as benign is not then subjected to further curation. The score for this variant resulted in a classification of benign for this disease.